The following is an entry in ClinVar:

NM_001128840.3(CACNA1D):c.6091A>G (p.Ile2031Val)

Gene: CACNA1D (calcium voltage-gated channel subunit alpha1 D; plus strand). Cytogenetic location: 3p21.1.
Variant type: single nucleotide variant.
Coding change: c.6091A>G on transcript NM_001128840.3 (MANE Select); coding-DNA position 6091, A replaced by G.
Protein change: p.Ile2031Val; replaces isoleucine 2031 with valine.
Molecular consequence: missense variant.
Genome position (GRCh38, 1-based): chr3:53,810,197, A>G. VCF-style: chr3-53810197-A-G. GRCh37 (hg19) VCF-style: chr3-53844224-A-G.
Other names: c.6151A>G, p.Ile2051Val (NM_000720.4); c.6019A>G, p.Ile2007Val (NM_001128839.3); short protein forms I2007V, I2031V, I2051V.
Identifiers: ClinVar variation 1303637 (VCV001303637.7), dbSNP rs370179578, ClinGen allele CA74869060.
Genomic context (GRCh38, chr3:53,810,197, plus strand): 5'-CAGGTGAACGGCAGCCTGCCGTCCCTGCACCGCAGCTCCTGGTACACAGACGAGCCCGAC[A>G]TCTCCTACCGGACTTTCACACCAGCCAGCCTGACTGTCCCCAGCAGCTTCCGGAACAAAA-3'
Protein context (NP_001122312.1, residues 2021-2041): RSSWYTDEPD[Ile2031Val]SYRTFTPASL

ClinVar aggregate classification (germline): Uncertain significance. Review status: criteria provided, multiple submitters, no conflicts (2 of 4 stars). 2 submissions from 2 submitters: Uncertain significance (2). Last evaluated 2025-11-27.

Allele frequency attached by ClinVar (database versions not stated): gnomAD exomes below 0.00001; gnomAD 0.00001; ESP Exome Variant Server 0.00008.
gnomAD v4.1: 4 of 1,613,836 alleles (0.00025%); highest among the groups gnomAD compares: African/African-American, 0.0053%; no homozygotes.

Submissions (2):

Labcorp Genetics (formerly Invitae), Labcorp
Classification: Uncertain significance. Last evaluated: 2025-11-27. Review status: criteria provided, single submitter. Criteria: Invitae Variant Classification Sherloc (09022015). Collection method: clinical testing. Allele origin: germline.
Comment: This sequence change replaces isoleucine, which is neutral and non-polar, with valine, which is neutral and non-polar, at codon 2051 of the CACNA1D protein (p.Ile2051Val). This variant is not present in population databases (gnomAD no frequency). This variant has not been reported in the literature in individuals affected with CACNA1D-related conditions. ClinVar contains an entry for this variant (Variation ID: 1303637). An algorithm developed to predict the effect of missense changes on protein structure and function outputs the following: PolyPhen-2: "Benign". The valine amino acid residue is found in multiple mammalian species, which suggests that this missense change does not adversely affect protein function. In summary, the available evidence is currently insufficient to determine the role of this variant in disease. Therefore, it has been classified as a Variant of Uncertain Significance.

GeneDx
Classification: Uncertain significance. Last evaluated: 2020-02-12. Review status: criteria provided, single submitter. Criteria: GeneDx Variant Classification Process June 2021. Collection method: clinical testing. Allele origin: germline. Affected: yes.
Comment: Not observed in large population cohorts (Lek et al., 2016); In silico analysis supports that this missense variant does not alter protein structure/function; Has not been previously published as pathogenic or benign to our knowledge